The following is an entry in ClinVar:

ClinVar aggregate classification (germline): Uncertain significance (1 of 4 stars; one submission).

Conditions:
Hyper-IgE recurrent infection syndrome 4A, autosomal dominant (HIES4A). Also called: HYPER-IgE SYNDROME 4A, AUTOSOMAL DOMINANT, WITH RECURRENT INFECTIONS. Identifiers: MedGen C5676920, MONDO:0800131, OMIM 619752.

gnomAD v4.1: 1 of 1,607,822 alleles (0.000062%); highest among the groups gnomAD compares: Non-Finnish European, 0.000085%; no homozygotes.

Submission:

3billion
Classification: Uncertain significance for Hyper-IgE recurrent infection syndrome 4A, autosomal dominant. Last evaluated: 2023-10-27. Review status: criteria provided, single submitter. Criteria: ACMG Guidelines, 2015. Collection method: clinical testing. Allele origin: germline. Affected: yes.
Comment: The variant is not observed in the gnomAD v2.1.1 dataset. Predicted Consequence/Location: Intron variant In silico tools predict the variant to alter splicing and produce an abnormal transcript [SpliceAI: 0.35 (>=0.2, moderate evidence for spliceogenicity)]. Therefore, this variant is classified as VUS according to the recommendation of ACMG/AMP guideline.

NM_002184.4(IL6ST):c.1700-10T>C

Gene: IL6ST (interleukin 6 cytokine family signal transducer; minus strand). Cytogenetic location: 5q11.2.
Variant type: single nucleotide variant.
Coding change: c.1700-10T>C on transcript NM_002184.4 (MANE Select); 10 bases into the intron before coding-DNA position 1700, T replaced by C.
Molecular consequence: intron variant.
Genome position (GRCh38, 1-based): chr5:55,951,614, A>G on the plus strand (T>C on the coding strand, the complement: IL6ST is on the minus strand). VCF-style: chr5-55951614-A-G. GRCh37 (hg19) VCF-style: chr5-55247442-A-G.
Other names: c.1490-10T>C (NM_001364276.2); c.704-10T>C (NM_001364279.2); c.797-10T>C (NM_001364278.2); c.833-10T>C (NM_001364277.2); c.*627-10T>C (NM_175767.3); c.1517-10T>C (NM_001190981.2); c.1598-10T>C (NM_001364275.2).
Identifiers: ClinVar variation 3776226 (VCV003776226.1).
Genomic context (GRCh38, chr5:55,951,614, plus strand): 5'-TAGTCAAAGAGGACAATGTATATTCTGTGTGGGAAGAATCCACATTCACAGCTGGAAGAA[A>G]TAAGAACTGTGCTTCATTCAACTATTCAATGCTTTTGCTTATTTGGCCTATATTTGGCAT-3'